The following is an entry in ClinVar:

ClinVar aggregate classification (germline): Uncertain significance (1 of 4 stars; one submission).

Conditions:
Cryptosporidiosis-chronic cholangitis-liver disease syndrome. Also called: Immunodeficiency type 56; IL21R immunodeficiency. Identifiers: Orphanet 357329, MedGen C3554687, MONDO:0014082, OMIM 615207.

Submission:

Labcorp Genetics (formerly Invitae), Labcorp
Classification: Uncertain significance for IL21R immunodeficiency. Last evaluated: 2019-12-31. Review status: criteria provided, single submitter. Criteria: Invitae Variant Classification Sherloc (09022015). Collection method: clinical testing. Allele origin: germline.
Comment: This sequence change replaces threonine with alanine at codon 313 of the IL21R protein (p.Thr313Ala). The threonine residue is weakly conserved and there is a small physicochemical difference between threonine and alanine. This variant is not present in population databases (ExAC no frequency). This variant has not been reported in the literature in individuals with IL21R-related conditions. Algorithms developed to predict the effect of missense changes on protein structure and function output the following: SIFT: "Tolerated"; PolyPhen-2: "Benign"; Align-GVGD: "Class C0". The alanine amino acid residue is found in multiple mammalian species, suggesting that this missense change does not adversely affect protein function. These predictions have not been confirmed by published functional studies and their clinical significance is uncertain. In summary, the available evidence is currently insufficient to determine the role of this variant in disease. Therefore, it has been classified as a Variant of Uncertain Significance.

NM_181078.3(IL21R):c.937A>G (p.Thr313Ala)

Genes: IL21R (interleukin 21 receptor; plus strand), IL21R-AS1 (IL21R antisense RNA 1; minus strand). Cytogenetic location: 16p12.1.
Variant type: single nucleotide variant.
Coding change: c.937A>G on transcript NM_181078.3 (MANE Select); coding-DNA position 937, A replaced by G.
Protein change: p.Thr313Ala; replaces threonine 313 with alanine.
Molecular consequence: missense variant. On other transcripts: non-coding transcript variant (1).
Genome position (GRCh38, 1-based): chr16:27,448,603, A>G. VCF-style: chr16-27448603-A-G. GRCh37 (hg19) VCF-style: chr16-27459924-A-G.
Other names: c.937A>G, p.Thr313Ala (NM_021798.4); c.1003A>G, p.Thr335Ala (NM_181079.5); short protein forms T313A, T335A.
Identifiers: ClinVar variation 858243 (VCV000858243.1), dbSNP rs1567374436, ClinGen allele CA395306822.